The following is an entry in ClinVar:

ClinVar aggregate classification (germline): Uncertain significance (1 of 4 stars; one submission).

Conditions:
RASopathy. Also called: Noonan spectrum disorder; rasopathies. Identifiers: Orphanet 536391, MedGen C5555857, MONDO:0021060.

Submission:

Labcorp Genetics (formerly Invitae), Labcorp
Classification: Uncertain significance for RASopathy. Last evaluated: 2025-09-10. Review status: criteria provided, single submitter. Criteria: Invitae Variant Classification Sherloc (09022015). Collection method: clinical testing. Allele origin: germline.
Comment: This sequence change creates a premature translational stop signal (p.Asp71Glufs*40) in the MAP2K2 gene. It is expected to result in an absent or disrupted protein product. However, the current clinical and genetic evidence is not sufficient to establish whether loss-of-function variants in MAP2K2 cause disease. This variant is not present in population databases (gnomAD no frequency). This variant has not been reported in the literature in individuals affected with MAP2K2-related conditions. In summary, the available evidence is currently insufficient to determine the role of this variant in disease. Therefore, it has been classified as a Variant of Uncertain Significance.

NM_030662.4(MAP2K2):c.190_212dup (p.Asp71fs)

Gene: MAP2K2 (mitogen-activated protein kinase kinase 2; minus strand). Cytogenetic location: 19p13.3.
Variant type: Duplication.
Coding change: c.190_212dup on transcript NM_030662.4 (MANE Select); coding-DNA positions 190 to 212, 23 bases duplicated (GTCGGCGAACTCAAAGACGATGA).
Protein change: p.Asp71fs; shifts the reading frame from aspartic acid 71.
Molecular consequence: frameshift variant.
Genome position (GRCh38, 1-based): chr19:4,117,510-4,117,532, TCATCGTCTTTGAGTTCGCCGAC duplicated on the plus strand (GTCGGCGAACTCAAAGACGATGA on the coding strand, the reverse complement: MAP2K2 is on the minus strand). VCF-style (leftmost placement, unchanged base first): chr19-4117509-G-GTCATCGTCTTTGAGTTCGCCGAC. GRCh37 (hg19) VCF-style: chr19-4117507-G-GTCATCGTCTTTGAGTTCGCCGAC.
Other names: c.190_212dup, p.Asp71fs (NM_001440688.1); short protein forms D71fs.
Identifiers: ClinVar variation 4726941 (VCV004726941.1).
Genomic context (GRCh38, chr19:4,117,509, plus strand): 5'-GTGCTGGACTTTGGTGACCACCCCGCCGTTGCCCGCGCCCAGCTCTGAGATCCTTTCGAA[G>GTCATCGTCTTTGAGTTCGCCGAC]TCATCGTCTTTGAGTTCGCCGACCTTGGCTTTCTGGGTGAGAAAGGCTTCCAGCCGCTTC-3'